The following is an entry in ClinVar:

ClinVar aggregate classification (germline): Uncertain significance (1 of 4 stars; one submission).

Submission:

CeGaT Center for Human Genetics Tuebingen
Classification: Uncertain significance. Last evaluated: 2023-07-01. Review status: criteria provided, single submitter. Criteria: CeGaT Center For Human Genetics Tuebingen Variant Classification Criteria Version 2. Collection method: clinical testing. Allele origin: germline. Affected: yes. Observed: 1 variant allele.
Comment: GFUS: PM2, BP4

NM_003313.4(GFUS):c.775G>T (p.Val259Leu)

Gene: GFUS (GDP-L-fucose synthase; minus strand). Cytogenetic location: 8q24.3.
Variant type: single nucleotide variant.
Coding change: c.775G>T on transcript NM_003313.4 (MANE Select); coding-DNA position 775, G replaced by T.
Protein change: p.Val259Leu; replaces valine 259 with leucine.
Molecular consequence: missense variant. On other transcripts: non-coding transcript variant (2).
Genome position (GRCh38, 1-based): chr8:143,613,559, C>A on the plus strand (G>T on the coding strand, the complement: GFUS is on the minus strand). VCF-style: chr8-143613559-C-A. GRCh37 (hg19) VCF-style: chr8-144695729-C-A.
Other names: c.793G>T, p.Val265Leu (NM_001317783.2); c.844G>T, p.Val282Leu (NM_001413407.1); c.775G>T, p.Val259Leu (NM_001413408.1, NM_001413410.1); c.910G>T, p.Val304Leu (NM_001413409.1); c.685G>T, p.Val229Leu (NM_001413411.1); c.562G>T, p.Val188Leu (NM_001413412.1); c.799G>T, p.Val267Leu (NM_001413413.1); short protein forms V188L, V229L, V259L, V265L, V267L, V282L, V304L.
Identifiers: ClinVar variation 2658904 (VCV002658904.24), dbSNP rs1364577193, ClinGen allele CA372537005.
Genomic context (GRCh38, chr8:143,613,559, plus strand): 5'-CCCCAGCACTGGAGCCAGAGGATACGGTGACTTCCCCATGGAAGTCCATGGCCTCCACCA[C>A]CGCCTCGGCTGCCTCCTTGATGGAGACCTCATCTTCCTCGCCCACTGTGGGGAGCCACCG-3'
Protein context (NP_003304.1, residues 249-269): EVSIKEAAEA[Val259Leu]VEAMDFHGEV